The following is an entry in ClinVar:

NM_017433.5(MYO3A):c.3645del (p.Lys1216fs)

Gene: MYO3A (myosin IIIA; plus strand). Cytogenetic location: 10p12.1.
Variant type: Deletion.
Coding change: c.3645del on transcript NM_017433.5 (MANE Select); coding-DNA position 3645, one base deleted (G; older notation c.3645delG).
Protein change: p.Lys1216fs; shifts the reading frame from lysine 1216.
Molecular consequence: frameshift variant.
Genome position (GRCh38, 1-based): chr10:26,173,909, G deleted. VCF-style (leftmost placement, unchanged base first): chr10-26173908-AG-A. GRCh37 (hg19) VCF-style: chr10-26462837-AG-A.
Other names: short protein forms K1216fs.
Identifiers: ClinVar variation 5018698 (VCV005018698.2).
Genomic context (GRCh38, chr10:26,173,908, plus strand): 5'-TGTATGAGGAAGAGGTTAAGCAAGAATTCTACCTTGTAGGGCCAGAAGTAAGCCCCAAAC[AG>A]AAGTCTGTCAAAGACCTGGAAGAGAACAGCAATCTAAGGAAAGTGGAGAAAGAGGAAGCT-3'

ClinVar aggregate classification (germline): Likely pathogenic (1 of 4 stars; one submission).

Conditions:
Hearing loss, autosomal dominant 90. Also called: Deafness, autosomal dominant 90. Identifiers: MedGen C5935579, MONDO:0958232, OMIM 620722.
Autosomal recessive nonsyndromic hearing loss 30. Identifiers: Orphanet 90636, MedGen C1846784, MONDO:0011774, OMIM 607101.

Submission:

Juno Genomics, Hangzhou Juno Genomics, Inc
Classification: Likely pathogenic for Hearing loss, autosomal dominant 90; Autosomal recessive nonsyndromic hearing loss 30. Review status: criteria provided, single submitter. Criteria: ACMG Guidelines, 2015. Collection method: clinical testing. Allele origin: germline.
Comment: Absent from controls (or at extremely low frequency if recessive) in Genome Aggregation Database.;Null variant in a gene where loss of function (LOF) is a known mechanism of disease.